The following is an entry in ClinVar:

ClinVar aggregate classification (germline): Uncertain significance (1 of 4 stars; one submission).

Conditions:
Dystonic disorder. Also called: Dystonia. Identifiers: MedGen C0013421, MONDO:0003441, HP:0001332.

Allele frequency attached by ClinVar (database versions not stated): gnomAD exomes below 0.00001; gnomAD 0.00001; TOPMed 0.00003.
gnomAD v4.1: 2 of 1,607,538 alleles (0.00012%); highest among the groups gnomAD compares: African/African-American, 0.0027%; no homozygotes.

Submission:

Labcorp Genetics (formerly Invitae), Labcorp
Classification: Uncertain significance for Dystonic disorder. Last evaluated: 2022-03-16. Review status: criteria provided, single submitter. Criteria: Invitae Variant Classification Sherloc (09022015). Collection method: clinical testing. Allele origin: germline.
Comment: This sequence change replaces methionine, which is neutral and non-polar, with isoleucine, which is neutral and non-polar, at codon 758 of the ANO3 protein (p.Met758Ile). In summary, the available evidence is currently insufficient to determine the role of this variant in disease. Therefore, it has been classified as a Variant of Uncertain Significance. Algorithms developed to predict the effect of missense changes on protein structure and function are either unavailable or do not agree on the potential impact of this missense change (SIFT: "Tolerated"; PolyPhen-2: "Probably Damaging"; Align-GVGD: "Class C0"). This variant has not been reported in the literature in individuals affected with ANO3-related conditions. This variant is present in population databases (no rsID available, gnomAD 0.007%).

NM_031418.4(ANO3):c.2274G>A (p.Met758Ile)

Gene: ANO3 (anoctamin 3; plus strand). Cytogenetic location: 11p14.2.
Variant type: single nucleotide variant.
Coding change: c.2274G>A on transcript NM_031418.4 (MANE Select); coding-DNA position 2274, G replaced by A.
Protein change: p.Met758Ile; replaces methionine 758 with isoleucine.
Molecular consequence: missense variant.
Genome position (GRCh38, 1-based): chr11:26,642,028, G>A. VCF-style: chr11-26642028-G-A. GRCh37 (hg19) VCF-style: chr11-26663575-G-A.
Other names: c.2457G>A, p.Met819Ile (NM_001313726.2); c.1836G>A, p.Met612Ile (NM_001313727.2); short protein forms M758I, M819I, M612I.
Identifiers: ClinVar variation 2141624 (VCV002141624.4), dbSNP rs1049806973, ClinGen allele CA219406065.